The following is an entry in ClinVar:

ClinVar aggregate classification (germline): Uncertain significance (1 of 4 stars; one submission).

Submission:

GeneDx
Classification: Uncertain significance. Last evaluated: 2025-07-09. Review status: criteria provided, single submitter. Criteria: GeneDx Variant Classification Process June 2021. Collection method: clinical testing. Allele origin: germline.
Comment: In-frame duplication of 19 amino acid(s) in a non-repeat region; Not observed at significant frequency in large population cohorts (gnomAD); Has not been previously published as pathogenic or benign to our knowledge

NM_001008537.3(NEXMIF):c.926_982dup (p.Leu327_Leu328insSerLeuLysIleArgTyrGluSerPheGlnAspAsnValArgAspLysThrThrLeu)

Gene: NEXMIF (neurite extension and migration factor; minus strand). Cytogenetic location: Xq13.3.
Variant type: Duplication.
Coding change: c.926_982dup on transcript NM_001008537.3 (MANE Select); coding-DNA positions 926 to 982, 57 bases duplicated.
Protein change: p.Leu327_Leu328insSerLeuLysIleArgTyrGluSerPheGlnAspAsnValArgAspLysThrThrLeu.
Molecular consequence: inframe insertion.
Genome position (GRCh38, 1-based): chrX:74,743,575-74,743,631, 57 bases duplicated. GRCh37 (hg19): chrX:73,963,411-73,963,467.
Identifiers: ClinVar variation 2446270 (VCV002446270.2), dbSNP rs2519915980, ClinGen allele CA2580101521.